The following is an entry in ClinVar:

ClinVar aggregate classification (germline): Uncertain significance (1 of 4 stars; one submission).

Conditions:
REN-related disorder. Also called: REN-related condition.

gnomAD v4.1: 51 of 1,614,122 alleles (0.0032%); highest among the groups gnomAD compares: Non-Finnish European, 0.004%; 1 homozygote.

Submission:

PreventionGenetics, part of Exact Sciences
Classification: Uncertain significance for REN-related condition. Last evaluated: 2025-12-08. Review status: criteria provided, single submitter. Criteria: ACMG Guidelines, 2015. Collection method: clinical testing. Allele origin: germline.
Comment: The REN c.1102G>A variant is predicted to result in the amino acid substitution p.Ala368Thr. To our knowledge, this variant has not been reported in the literature. This variant is reported in 0.0054% of alleles in individuals of East Asian descent in gnomAD. At this time, the clinical significance of this variant is uncertain due to the absence of conclusive functional and genetic evidence.

NM_000537.4(REN):c.1102G>A (p.Ala368Thr)

Gene: REN (renin; minus strand). Cytogenetic location: 1q32.1.
Variant type: single nucleotide variant.
Coding change: c.1102G>A on transcript NM_000537.4 (MANE Select); coding-DNA position 1102, G replaced by A.
Protein change: p.Ala368Thr; replaces alanine 368 with threonine.
Molecular consequence: missense variant.
Genome position (GRCh38, 1-based): chr1:204,155,135, C>T on the plus strand (G>A on the coding strand, the complement: REN is on the minus strand). VCF-style: chr1-204155135-C-T. GRCh37 (hg19) VCF-style: chr1-204124263-C-T.
Other names: short protein forms A368T.
Identifiers: ClinVar variation 4990261 (VCV004990261.1).